The following is an entry in ClinVar:

NM_000384.3(APOB):c.11361C>T (p.Pro3787=)

Gene: APOB (apolipoprotein B; minus strand). Cytogenetic location: 2p24.1.
Variant type: single nucleotide variant.
Coding change: c.11361C>T on transcript NM_000384.3 (MANE Select); coding-DNA position 11361, C replaced by T.
Protein change: p.Pro3787=; no amino-acid change (proline 3787 retained).
Molecular consequence: synonymous variant.
Genome position (GRCh38, 1-based): chr2:21,005,507, G>A on the plus strand (C>T on the coding strand, the complement: APOB is on the minus strand). VCF-style: chr2-21005507-G-A. GRCh37 (hg19) VCF-style: chr2-21228379-G-A.
Identifiers: ClinVar variation 925132 (VCV000925132.37), dbSNP rs200979977, ClinGen allele CA046424.

ClinVar aggregate classification (germline): Likely benign. Review status: criteria provided, multiple submitters, no conflicts (2 of 4 stars). 4 submissions from 4 submitters: Likely benign (4). Last evaluated 2025-12-01.

Conditions:
Hypercholesterolemia, autosomal dominant, type B (FHCL2). Also called: Familial Hypercholesterolemia Type B; Hyperlipoproteinemia Type IIb; APOB-Related Familial Hypercholesterolemia, Autosomal Dominant; Familial hypercholesterolemia 2; HYPERCHOLESTEROLEMIA, FAMILIAL, DUE TO LIGAND-DEFECTIVE APOLIPOPROTEIN B; APOLIPOPROTEIN B-100, FAMILIAL DEFECTIVE. Identifiers: MedGen C1704417, MONDO:0007751, OMIM 144010.
Familial hypobetalipoproteinemia 1. Also called: Hypobetalipoproteinemia, normotriglyceridemic; Acanthocytosis with hypobetalipoproteinemia; APOB-Related Familial Hypobetalipoproteinemia. Identifiers: MedGen C4551990, MONDO:0014252, OMIM 615558.
Cardiovascular phenotype. Identifiers: MedGen CN230736.

Allele frequency attached by ClinVar (database versions not stated): ExAC 0.00001; gnomAD exomes 0.00001 and 0.00002; TOPMed 0.00002.
gnomAD v4.1: 24 of 1,613,960 alleles (0.0015%); highest among the groups gnomAD compares: Middle Eastern, 0.017%; no homozygotes.

Submissions (4):

CeGaT Center for Human Genetics Tuebingen
Classification: Likely benign. Last evaluated: 2025-12-01. Review status: criteria provided, single submitter. Criteria: CeGaT Center For Human Genetics Tuebingen Variant Classification Criteria Version 2. Collection method: clinical testing. Allele origin: germline. Affected: yes. Observed: 1 variant allele.
Comment: APOB: BP4, BP7

Labcorp Genetics (formerly Invitae), Labcorp
Classification: Likely benign for Familial hypobetalipoproteinemia 1; Hypercholesterolemia, autosomal dominant, type B. Last evaluated: 2025-05-22. Review status: criteria provided, single submitter. Criteria: Invitae Variant Classification Sherloc (09022015). Collection method: clinical testing. Allele origin: germline.

Molecular Diagnostic Laboratory for Inherited Cardiovascular Disease, Montreal Heart Institute
Classification: Likely benign. Last evaluated: 2025-04-09. Review status: criteria provided, single submitter. Criteria: ACMG Guidelines, 2015. Collection method: clinical testing. Allele origin: germline. Affected: no.

Ambry Genetics
Classification: Likely benign for Cardiovascular phenotype. Last evaluated: 2019-02-25. Review status: criteria provided, single submitter. Criteria: Ambry Variant Classification Scheme 2023. Collection method: clinical testing. Allele origin: germline.